The following is an entry in ClinVar:

NM_001478.5(B4GALNT1):c.514G>A (p.Gly172Ser)

Gene: B4GALNT1 (beta-1,4-N-acetyl-galactosaminyltransferase 1; minus strand). Cytogenetic location: 12q13.3.
Variant type: single nucleotide variant.
Coding change: c.514G>A on transcript NM_001478.5 (MANE Select); coding-DNA position 514, G replaced by A.
Protein change: p.Gly172Ser; replaces glycine 172 with serine.
Molecular consequence: missense variant.
Genome position (GRCh38, 1-based): chr12:57,630,495, C>T on the plus strand (G>A on the coding strand, the complement: B4GALNT1 is on the minus strand). VCF-style: chr12-57630495-C-T. GRCh37 (hg19) VCF-style: chr12-58024278-C-T.
Other names: c.349G>A, p.Gly117Ser (NM_001276468.2); c.514G>A, p.Gly172Ser (NM_001276469.2); short protein forms G117S, G172S.
Identifiers: ClinVar variation 639794 (VCV000639794.8), dbSNP rs810205, ClinGen allele CA385500130.

ClinVar aggregate classification (germline): Uncertain significance (1 of 4 stars; one submission).

Conditions:
Spastic paraplegia. Identifiers: MedGen C0037772, HP:0001258.

Allele frequency attached by ClinVar (database versions not stated): TOPMed 0.00002.
gnomAD v4.1: 31 of 1,609,126 alleles (0.0019%); highest among the groups gnomAD compares: Non-Finnish European, 0.0025%; no homozygotes.

Submission:

Labcorp Genetics (formerly Invitae), Labcorp
Classification: Uncertain significance for Spastic paraplegia. Last evaluated: 2022-08-15. Review status: criteria provided, single submitter. Criteria: Invitae Variant Classification Sherloc (09022015). Collection method: clinical testing. Allele origin: germline.
Comment: In summary, the available evidence is currently insufficient to determine the role of this variant in disease. Therefore, it has been classified as a Variant of Uncertain Significance. Algorithms developed to predict the effect of missense changes on protein structure and function output the following: SIFT: "Tolerated"; PolyPhen-2: "Benign"; Align-GVGD: "Class C0". The serine amino acid residue is found in multiple mammalian species, which suggests that this missense change does not adversely affect protein function. ClinVar contains an entry for this variant (Variation ID: 639794). This variant has not been reported in the literature in individuals affected with B4GALNT1-related conditions. This variant is present in population databases (no rsID available, gnomAD 0.002%). This sequence change replaces glycine, which is neutral and non-polar, with serine, which is neutral and polar, at codon 172 of the B4GALNT1 protein (p.Gly172Ser).